The following is an entry in ClinVar:

NM_000094.4(COL7A1):c.356_357del (p.Thr119fs)

Gene: COL7A1 (collagen type VII alpha 1 chain; minus strand). Cytogenetic location: 3p21.31.
Variant type: Microsatellite.
Coding change: c.356_357del on transcript NM_000094.4 (MANE Select); coding-DNA positions 356 to 357, 2 bases deleted (CA; older notation c.356_357delCA).
Protein change: p.Thr119fs; shifts the reading frame from threonine 119.
Molecular consequence: frameshift variant.
Genome position (GRCh38, 1-based): chr3:48,593,606-48,593,607, TG deleted on the plus strand (CA on the coding strand, the reverse complement: COL7A1 is on the minus strand); deleting any 2 consecutive bases within chr3:48,593,606-48,593,609 gives the same sequence; the c. name uses the placement nearest the transcript's 3' end. VCF-style (leftmost placement, unchanged base first): chr3-48593605-CTG-C. GRCh37 (hg19) VCF-style: chr3-48631038-CTG-C.
Other names: c.356_357delCA (NM_000094.3); short protein forms T119fs.
Identifiers: ClinVar variation 1398644 (VCV001398644.10), dbSNP rs1261268687, ClinGen allele CA543045412.

ClinVar aggregate classification (germline): Pathogenic. Review status: criteria provided, multiple submitters, no conflicts (2 of 4 stars). 4 submissions from 4 submitters: Pathogenic (4). Last evaluated 2025-12-08.

Conditions:
COL7A1-related disorder. Also called: COL7A1-related condition; COL7A1- related disorders.
Recessive dystrophic epidermolysis bullosa (RDEB). Also called: severe generalized recessive dystrophic epidermolysis bullosa; epidermolysis bullosa dystrophica, autosomal recessive; Hallopeau-Siemens Disease; EPIDERMOLYSIS BULLOSA DYSTROPHICA, GENERALIZED SEVERE, AUTOSOMAL RECESSIVE; Recessive DEB (RDEB); Epidermolysis Bullosa Distrophica Autosomal Recessive (RDEB). Identifiers: Orphanet 79408, Orphanet 79409, MedGen C0079474, MONDO:0009179, OMIM 226600.
Epidermolysis bullosa dystrophica. Also called: Dystrophic epidermolysis bullosa, Hallopeau-Siemens type (formerly); Dystrophic epidermolysis bullosa. Identifiers: Orphanet 303, MedGen C0079294, MONDO:0006543.

Submissions (4):

Labcorp Genetics (formerly Invitae), Labcorp
Classification: Pathogenic. Last evaluated: 2025-12-08. Review status: criteria provided, single submitter. Criteria: Invitae Variant Classification Sherloc (09022015). Collection method: clinical testing. Allele origin: germline.
Comment: This sequence change creates a premature translational stop signal (p.Thr119Argfs*9) in the COL7A1 gene. It is expected to result in an absent or disrupted protein product. Loss-of-function variants in COL7A1 are known to be pathogenic (PMID: 16971478). This variant is present in population databases (no rsID available, gnomAD 0.0009%). This premature translational stop signal has been observed in individual(s) with recessive dystrophic epidermolysis bullosa (PMID: 24213372). Algorithms developed to predict the effect of sequence changes on RNA splicing suggest that this variant may disrupt the consensus splice site. For these reasons, this variant has been classified as Pathogenic.

PreventionGenetics, part of Exact Sciences
Classification: Pathogenic for COL7A1-related condition. Last evaluated: 2025-01-08. Review status: criteria provided, single submitter. Criteria: ACMG Guidelines, 2015. Collection method: clinical testing. Allele origin: germline.
Comment: The COL7A1 c.356_357delCA variant is predicted to result in a frameshift and premature protein termination (p.Thr119Argfs*9). This variant is reported in 0.00088% of alleles in individuals of European (non-Finnish) descent in gnomAD. Frameshift variants in COL7A1 are expected to be pathogenic. This variant is interpreted as pathogenic.

Natera, Inc.
Classification: Pathogenic for Dystrophic epidermolysis bullosa. Last evaluated: 2024-10-07. Review status: criteria provided, single submitter. Criteria: Natera Variant Classification Schema (03/2026). Collection method: clinical testing. Allele origin: germline.
Comment: The c.356_357delCA variant in COL7A1 is a frameshift variant predicted to shift the reading frame beginning at codon 119 and leads to a stop codon 9 codons downstream. This variant is expected to result in nonsense mediated decay, truncation, or a dysfunctional protein product. This variant is rare in the general population with a frequency below the threshold expected for the associated phenotype(s). This variant has been observed in one or more individuals affected with the associated recessive disease, as either homozygous or compound heterozygous with a second variant (PMID: 24213372). Given the available evidence, this variant is classified as Pathogenic.

Myriad Genetics, Inc.
Classification: Pathogenic for Recessive dystrophic epidermolysis bullosa. Last evaluated: 2024-05-03. Review status: criteria provided, single submitter. Criteria: Myriad Autosomal Dominant, Autosomal Recessive and X-Linked Classification Criteria (2023). Collection method: clinical testing. Allele origin: unknown.
Comment: NM_000094.3(COL7A1):c.356_357delCA(T119Rfs*9) is expected to be pathogenic in the context of dystrophic epidermolysis bullosa. This variant is predicted to lead to an abnormal or absent protein product due to the creation of a premature termination codon in COL7A1, a gene where loss-of-function variants are known to be pathogenic. Please note: this variant was assessed in the context of healthy population screening.

Literature cited by the submitters: PubMed 16971478 (cited by Labcorp Genetics (formerly Invitae), Labcorp); PubMed 24213372 (cited by Labcorp Genetics (formerly Invitae), Labcorp and Natera, Inc.).